The following is an entry in ClinVar:

ClinVar aggregate classification (germline): Likely benign. Review status: criteria provided, multiple submitters, no conflicts (2 of 4 stars). 2 submissions from 2 submitters: Likely benign (2). Last evaluated 2026-09-01.

Conditions:
Spastic paraplegia. Identifiers: MedGen C0037772, HP:0001258.

Allele frequency attached by ClinVar (database versions not stated): gnomAD 0.00001; gnomAD exomes 0.00003 and 0.00011; TOPMed 0.00006; ExAC 0.00010.
gnomAD v4.1: 44 of 1,614,046 alleles (0.0027%); highest among the groups gnomAD compares: Admixed American, 0.052%; no homozygotes.

Submissions (2):

CeGaT Center for Human Genetics Tuebingen
Classification: Likely benign. Last evaluated: 2026-09-01. Review status: criteria provided, single submitter. Criteria: CeGaT Center For Human Genetics Tuebingen Variant Classification Criteria Version 2. Collection method: clinical testing. Allele origin: germline. Affected: yes. Observed: 2 variant alleles.
Comment: ZFYVE26: BP4, BP7

Labcorp Genetics (formerly Invitae), Labcorp
Classification: Likely benign for Spastic paraplegia. Last evaluated: 2024-10-23. Review status: criteria provided, single submitter. Criteria: Invitae Variant Classification Sherloc (09022015). Collection method: clinical testing. Allele origin: germline.

NM_015346.4(ZFYVE26):c.2823C>T (p.Pro941=)

Gene: ZFYVE26 (zinc finger FYVE-type containing 26; minus strand). Cytogenetic location: 14q24.1.
Variant type: single nucleotide variant.
Coding change: c.2823C>T on transcript NM_015346.4 (MANE Select); coding-DNA position 2823, C replaced by T.
Protein change: p.Pro941=; no amino-acid change (proline 941 retained).
Molecular consequence: synonymous variant.
Genome position (GRCh38, 1-based): chr14:67,789,531, G>A on the plus strand (C>T on the coding strand, the complement: ZFYVE26 is on the minus strand). VCF-style: chr14-67789531-G-A. GRCh37 (hg19) VCF-style: chr14-68256248-G-A.
Identifiers: ClinVar variation 1127478 (VCV001127478.11), dbSNP rs769295045, ClinGen allele CA7240162.